The following is an entry in ClinVar:

NM_014915.3(ANKRD26):c.3833C>T (p.Thr1278Ile)

Gene: ANKRD26 (ankyrin repeat domain 26; minus strand). Cytogenetic location: 10p12.1.
Variant type: single nucleotide variant.
Coding change: c.3833C>T on transcript NM_014915.3 (MANE Select); coding-DNA position 3833, C replaced by T.
Protein change: p.Thr1278Ile; replaces threonine 1278 with isoleucine.
Molecular consequence: missense variant.
Genome position (GRCh38, 1-based): chr10:27,029,331, G>A on the plus strand (C>T on the coding strand, the complement: ANKRD26 is on the minus strand). VCF-style: chr10-27029331-G-A. GRCh37 (hg19) VCF-style: chr10-27318260-G-A.
Other names: c.3830C>T, p.Thr1277Ile (NM_001256053.2); short protein forms T1278I, T1277I.
Identifiers: ClinVar variation 2994322 (VCV002994322.4), dbSNP rs779333857, ClinGen allele CA376360595.

ClinVar aggregate classification (germline): Uncertain significance. Review status: criteria provided, multiple submitters, no conflicts (2 of 4 stars). 2 submissions from 2 submitters: Uncertain significance (2). Last evaluated 2025-09-06.

Conditions:
Inborn genetic diseases. Identifiers: MedGen C0950123, MeSH D030342.

gnomAD v4.1: 1 of 1,612,678 alleles (0.000062%); highest among the groups gnomAD compares: Non-Finnish European, 0.000085%; no homozygotes.

Submissions (2):

Ambry Genetics
Classification: Uncertain significance for Inborn genetic diseases. Last evaluated: 2025-09-06. Review status: criteria provided, single submitter. Criteria: Ambry Variant Classification Scheme 2023. Collection method: clinical testing. Allele origin: germline.
Comment: The p.T1278I variant (also known as c.3833C>T), located in coding exon 26 of the ANKRD26 gene, results from a C to T substitution at nucleotide position 3833. The threonine at codon 1278 is replaced by isoleucine, an amino acid with similar properties. This amino acid position is conserved. In addition, this alteration is predicted to be tolerated by in silico analysis. Based on the available evidence, the clinical significance of this variant remains unclear.

Labcorp Genetics (formerly Invitae), Labcorp
Classification: Uncertain significance. Last evaluated: 2024-01-02. Review status: criteria provided, single submitter. Criteria: Invitae Variant Classification Sherloc (09022015). Collection method: clinical testing. Allele origin: germline.
Comment: This sequence change replaces threonine, which is neutral and polar, with isoleucine, which is neutral and non-polar, at codon 1278 of the ANKRD26 protein (p.Thr1278Ile). This variant is not present in population databases (gnomAD no frequency). This variant has not been reported in the literature in individuals affected with ANKRD26-related conditions. Algorithms developed to predict the effect of missense changes on protein structure and function output the following: SIFT: "Not Available"; PolyPhen-2: "Benign"; Align-GVGD: "Not Available". The isoleucine amino acid residue is found in multiple mammalian species, which suggests that this missense change does not adversely affect protein function. In summary, the available evidence is currently insufficient to determine the role of this variant in disease. Therefore, it has been classified as a Variant of Uncertain Significance.